The following is an entry in ClinVar:

ClinVar aggregate classification (germline): Uncertain significance (1 of 4 stars; one submission).

Conditions:
Autosomal dominant nonsyndromic hearing loss 1. Also called: KONIGSMARK SYNDROME; DEAFNESS, AUTOSOMAL DOMINANT 1, WITH OR WITHOUT THROMBOCYTOPENIA. Identifiers: Orphanet 90635, MedGen C1852282, MONDO:0007424, OMIM 124900.
Progressive microcephaly-seizures-cortical blindness-developmental delay syndrome. Also called: Seizures, cortical blindness, and microcephaly syndrome. Identifiers: Orphanet 477814, MedGen C5567650, MONDO:0014714, OMIM 616632.

gnomAD v4.1: 18 of 1,613,942 alleles (0.0011%); highest among the groups gnomAD compares: South Asian, 0.0022%; no homozygotes.

Submission:

Labcorp Genetics (formerly Invitae), Labcorp
Classification: Uncertain significance for Progressive microcephaly-seizures-cortical blindness-developmental delay syndrome; Autosomal dominant nonsyndromic hearing loss 1. Last evaluated: 2024-08-14. Review status: criteria provided, single submitter. Criteria: Invitae Variant Classification Sherloc (09022015). Collection method: clinical testing. Allele origin: germline.
Comment: This sequence change replaces arginine, which is basic and polar, with histidine, which is basic and polar, at codon 1219 of the DIAPH1 protein (p.Arg1219His). This variant is present in population databases (rs750059700, gnomAD 0.003%). This variant has not been reported in the literature in individuals affected with DIAPH1-related conditions. An algorithm developed to predict the effect of missense changes on protein structure and function (PolyPhen-2) suggests that this variant is likely to be disruptive. In summary, the available evidence is currently insufficient to determine the role of this variant in disease. Therefore, it has been classified as a Variant of Uncertain Significance.

NM_005219.5(DIAPH1):c.3656G>A (p.Arg1219His)

Gene: DIAPH1 (diaphanous related formin 1; minus strand). Cytogenetic location: 5q31.3.
Variant type: single nucleotide variant.
Coding change: c.3656G>A on transcript NM_005219.5 (MANE Select); coding-DNA position 3656, G replaced by A.
Protein change: p.Arg1219His; replaces arginine 1219 with histidine.
Molecular consequence: missense variant.
Genome position (GRCh38, 1-based): chr5:141,524,148, C>T on the plus strand (G>A on the coding strand, the complement: DIAPH1 is on the minus strand). VCF-style: chr5-141524148-C-T. GRCh37 (hg19) VCF-style: chr5-140903715-C-T.
Other names: c.3629G>A, p.Arg1210His (NM_001079812.3); c.3656G>A, p.Arg1219His (NM_001314007.2); short protein forms R1210H, R1219H.
Identifiers: ClinVar variation 3764069 (VCV003764069.2).